The following is an entry in ClinVar:

ClinVar aggregate classification (germline): Likely benign (1 of 4 stars; one submission).

Conditions:
Familial hypercholesterolemia. Also called: Familial hypercholesterolaemia. Identifiers: MedGen C0020445, MONDO:0005439.

gnomAD v4.1: 1 of 1,612,282 alleles (0.000062%); highest among the groups gnomAD compares: Non-Finnish European, 0.000085%; no homozygotes.

Submission:

GENinCode PLC
Classification: Likely benign for Familial hypercholesterolemia. Last evaluated: 2024-06-03. Review status: criteria provided, single submitter. Criteria: ACMG Guidelines, 2015. Collection method: clinical testing. Allele origin: germline.
Comment: This is a synonymous (silent) variant that is not predicted by SpliceAI to impact splicing. In addition, it occurs at a nucleotide that is not conserved. Therefore this variant has been classified as Likely Benign (BP4, BP7).

NM_000384.3(APOB):c.13080T>C (p.Asn4360=)

Gene: APOB (apolipoprotein B; minus strand). Cytogenetic location: 2p24.1.
Variant type: single nucleotide variant.
Coding change: c.13080T>C on transcript NM_000384.3 (MANE Select); coding-DNA position 13080, T replaced by C.
Protein change: p.Asn4360=; no amino-acid change (asparagine 4360 retained).
Molecular consequence: synonymous variant.
Genome position (GRCh38, 1-based): chr2:21,002,342, A>G on the plus strand (T>C on the coding strand, the complement: APOB is on the minus strand). VCF-style: chr2-21002342-A-G. GRCh37 (hg19) VCF-style: chr2-21225214-A-G.
Identifiers: ClinVar variation 3392987 (VCV003392987.1).